The following is an entry in ClinVar:

ClinVar aggregate classification (germline): Pathogenic (1 of 4 stars; one submission).

Conditions:
Nephronophthisis. Also called: Juvenile Nephronophthisis. Identifiers: Orphanet 655, MedGen C0687120, MONDO:0019005, HP:0000090.

Submission:

Labcorp Genetics (formerly Invitae), Labcorp
Classification: Pathogenic for Nephronophthisis. Last evaluated: 2023-10-15. Review status: criteria provided, single submitter. Criteria: Invitae Variant Classification Sherloc (09022015). Collection method: clinical testing. Allele origin: germline.
Comment: This sequence change creates a premature translational stop signal (p.Leu101Hisfs*14) in the INVS gene. It is expected to result in an absent or disrupted protein product. Loss-of-function variants in INVS are known to be pathogenic (PMID: 12872123). This variant is present in population databases (rs768677542, gnomAD 0.007%). This variant has not been reported in the literature in individuals affected with INVS-related conditions. Algorithms developed to predict the effect of sequence changes on RNA splicing suggest that this variant may disrupt the consensus splice site. For these reasons, this variant has been classified as Pathogenic.

Literature cited by the submitters: PubMed 12872123.

NM_014425.5(INVS):c.302_305del (p.Leu101fs)

Gene: INVS (inversin; plus strand). Cytogenetic location: 9q31.1.
Variant type: Microsatellite.
Coding change: c.302_305del on transcript NM_014425.5 (MANE Select); coding-DNA positions 302 to 305, 4 bases deleted (TTAC; older notation c.302_305delTTAC).
Protein change: p.Leu101fs; shifts the reading frame from leucine 101.
Molecular consequence: frameshift variant. On other transcripts: 5 prime UTR variant (1), non-coding transcript variant (1).
Genome position (GRCh38, 1-based): chr9:100,226,090-100,226,093, TTAC deleted; deleting any 4 consecutive bases within chr9:100,226,085-100,226,093 gives the same sequence; the c. name uses the placement nearest the transcript's 3' end. VCF-style (leftmost placement, unchanged base first): chr9-100226084-TCTTA-T. GRCh37 (hg19) VCF-style: chr9-102988366-TCTTA-T.
Other names: c.14_17del, p.Leu5fs (NM_001318381.2); c.-692TTAC[1] (NM_001318382.2); short protein forms L101fs, L5fs.
Identifiers: ClinVar variation 3005020 (VCV003005020.3), dbSNP rs768677542, ClinGen allele CA5158135.
Genomic context (GRCh38, chr9:100,226,084, plus strand): 5'-GTACATTTTTTTCTTATCATCTCTTGTTTTTTATTTAGGGAAATTATCGTTTCATGAAAC[TCTTA>T]CTTACACGCAGAGCAAACTGGATGCAAAAGGATCTGGAAGAGATGACTCCTTTGCACTTG-3'